The following is an entry in ClinVar:

ClinVar aggregate classification (germline): Pathogenic. Review status: criteria provided, multiple submitters, no conflicts (2 of 4 stars). 6 submissions from 6 submitters: Pathogenic (6). Last evaluated 2026-08-23.

Conditions:
Cardiovascular phenotype. Identifiers: MedGen CN230736.
Hereditary cancer-predisposing syndrome. Also called: Tumor predisposition; Hereditary neoplastic syndrome; Neoplastic Syndromes, Hereditary; Hereditary Cancer Syndrome. Identifiers: Orphanet 140162, MedGen C0027672, MeSH D009386, MONDO:0015356.
Neurofibromatosis, type 1 (NF1). Also called: NEUROFIBROMATOSIS, TYPE I, SOMATIC; Peripheral type neurofibromatosis; VON RECKLINGHAUSEN DISEASE; Neurofibromatosis, type I. Identifiers: Orphanet 636, MedGen C0027831, MONDO:0018975, OMIM 162200. Disease mechanism: loss of function.

Submissions (6):

GeneDx
Classification: Pathogenic. Last evaluated: 2026-08-23. Review status: criteria provided, single submitter. Criteria: GeneDx Variant Classification Process June 2021. Collection method: clinical testing. Allele origin: germline.
Comment: Frameshift variant predicted to result in protein truncation or nonsense mediated decay in a gene for which loss of function is a known mechanism of disease; Not observed at significant frequency in large population cohorts (gnomAD); This variant is associated with the following publications: (PMID: 25074460, 29849115)

Myriad Genetics, Inc.
Classification: Pathogenic for Neurofibromatosis, type 1. Last evaluated: 2026-07-16. Review status: criteria provided, single submitter. Criteria: Myriad Autosomal Dominant, Autosomal Recessive and X-Linked Classification Criteria (2023). Collection method: clinical testing. Allele origin: unknown.
Comment: This variant is considered pathogenic. This variant creates a frameshift predicted to result in premature protein truncation.

Ambry Genetics
Classification: Pathogenic for Cardiovascular phenotype; Hereditary cancer-predisposing syndrome. Last evaluated: 2026-04-08. Review status: criteria provided, single submitter. Criteria: Ambry Variant Classification Scheme 2023. Collection method: clinical testing. Allele origin: germline.
Comment: The c.5851dupA pathogenic mutation, located in coding exon 39 of the NF1 gene, results from a duplication of A at nucleotide position 5851, causing a translational frameshift with a predicted alternate stop codon (p.T1951Nfs*5). This variant is considered to be rare based on population cohorts in the Genome Aggregation Database (gnomAD). This variant was reported in individual(s) with features consistent with Neurofibromatosis type 1 (Ambry internal data). This alteration is expected to result in loss of function by premature protein truncation or nonsense-mediated mRNA decay. As such, this alteration is interpreted as a disease-causing mutation.

Labcorp Genetics (formerly Invitae), Labcorp
Classification: Pathogenic for Neurofibromatosis, type 1. Last evaluated: 2025-08-10. Review status: criteria provided, single submitter. Criteria: Invitae Variant Classification Sherloc (09022015). Collection method: clinical testing. Allele origin: germline.
Comment: This sequence change creates a premature translational stop signal (p.Thr1951Asnfs*5) in the NF1 gene. It is expected to result in an absent or disrupted protein product. Loss-of-function variants in NF1 are known to be pathogenic (PMID: 10712197, 23913538). This variant is not present in population databases (gnomAD no frequency). This premature translational stop signal has been observed in individual(s) with clinical features of neurofibromatosis type 1 (PMID: 25074460). ClinVar contains an entry for this variant (Variation ID: 931387). For these reasons, this variant has been classified as Pathogenic.

Genome-Nilou Lab
Classification: Pathogenic for Neurofibromatosis, type 1. Last evaluated: 2022-03-15. Review status: criteria provided, single submitter. Criteria: ACMG Guidelines, 2015. Collection method: clinical testing. Allele origin: germline. Affected: no.

Centre for Mendelian Genomics, University Medical Centre Ljubljana
Classification: Pathogenic for Neurofibromatosis, type 1. Last evaluated: 2018-12-01. Review status: criteria provided, single submitter. Criteria: ACMG Guidelines, 2015. Collection method: clinical testing. Allele origin: unknown. Affected: yes.
Comment: This variant was classified as: Pathogenic. The following ACMG criteria were applied in classifying this variant: PVS1,PM1,PM2,PP4.

Literature cited by the submitters: PubMed 10712197 (cited by Labcorp Genetics (formerly Invitae), Labcorp); PubMed 23913538 (cited by Labcorp Genetics (formerly Invitae), Labcorp); PubMed 25074460 (cited by Labcorp Genetics (formerly Invitae), Labcorp).

NM_001042492.3(NF1):c.5914dup (p.Thr1972fs)

Gene: NF1 (neurofibromin 1; plus strand). Cytogenetic location: 17q11.2.
Variant type: Duplication.
Coding change: c.5914dup on transcript NM_001042492.3 (MANE Select); coding-DNA position 5914, one base duplicated (A; older notation c.5914dupA).
Protein change: p.Thr1972fs; shifts the reading frame from threonine 1972.
Molecular consequence: frameshift variant.
Genome position (GRCh38, 1-based): chr17:31,334,939, A duplicated. VCF-style (leftmost placement, unchanged base first): chr17-31334938-T-TA. GRCh37 (hg19) VCF-style: chr17-29661956-T-TA.
Other names: c.5851dupA (NM_000267.3); c.5914dupA (NM_001042492.2); c.5851dup, p.Thr1951Asnfs (NM_000267.4); short protein forms T1972fs, T1951fs.
Identifiers: ClinVar variation 931387 (VCV000931387.13), dbSNP rs2069606043, ClinGen allele CA1139665398.
Genomic context (GRCh38, chr17:31,334,938, plus strand): 5'-ATGGCTGTCAAATCTAGTTCGTTTTTGCAAGCATAATGATGATGCCAAACGACAAAGAGT[T>TA]ACTGCTATTCTTGACAAGCTGATAACAATGACCATCAATGAAAAACAGATGTACCCATCT-3'